The following is an entry in ClinVar:

ClinVar aggregate classification (germline): Uncertain significance. Review status: criteria provided, multiple submitters, no conflicts (2 of 4 stars). 2 submissions from 2 submitters: Uncertain significance (2). Last evaluated 2026-01-27.

Conditions:
Inborn genetic diseases. Identifiers: MedGen C0950123, MeSH D030342.

Allele frequency attached by ClinVar (database versions not stated): gnomAD 0.00001; TOPMed 0.00001; gnomAD exomes below 0.00001.
gnomAD v4.1: 12 of 1,613,938 alleles (0.00074%); highest among the groups gnomAD compares: Middle Eastern, 0.033%; no homozygotes.

Submissions (2):

Labcorp Genetics (formerly Invitae), Labcorp
Classification: Uncertain significance. Last evaluated: 2026-01-27. Review status: criteria provided, single submitter. Criteria: Invitae Variant Classification Sherloc (09022015). Collection method: clinical testing. Allele origin: germline.
Comment: This sequence change replaces serine, which is neutral and polar, with leucine, which is neutral and non-polar, at codon 81 of the FBLN5 protein (p.Ser81Leu). This variant is present in population databases (no rsID available, gnomAD 0.0009%). This variant has not been reported in the literature in individuals affected with FBLN5-related conditions. ClinVar contains an entry for this variant (Variation ID: 1468024). An algorithm developed to predict the effect of missense changes on protein structure and function (PolyPhen-2) suggests that this variant is likely to be tolerated. In summary, the available evidence is currently insufficient to determine the role of this variant in disease. Therefore, it has been classified as a Variant of Uncertain Significance.

Ambry Genetics
Classification: Uncertain significance for Inborn genetic diseases. Last evaluated: 2021-07-13. Review status: criteria provided, single submitter. Criteria: Ambry Variant Classification Scheme 2023. Collection method: clinical testing. Allele origin: germline.

NM_006329.4(FBLN5):c.242C>T (p.Ser81Leu)

Gene: FBLN5 (fibulin 5; minus strand). Cytogenetic location: 14q32.12.
Variant type: single nucleotide variant.
Coding change: c.242C>T on transcript NM_006329.4 (MANE Select); coding-DNA position 242, C replaced by T.
Protein change: p.Ser81Leu; replaces serine 81 with leucine.
Molecular consequence: missense variant.
Genome position (GRCh38, 1-based): chr14:91,937,084, G>A on the plus strand (C>T on the coding strand, the complement: FBLN5 is on the minus strand). VCF-style: chr14-91937084-G-A. GRCh37 (hg19) VCF-style: chr14-92403428-G-A.
Other names: c.365C>T, p.Ser122Leu (NM_001384158.1); c.293C>T, p.Ser98Leu (NM_001384159.1); c.242C>T, p.Ser81Leu (NM_001384160.1); c.74C>T, p.Ser25Leu (NM_001384161.1, NM_001384162.1); c.242C>T (NM_006329.3); short protein forms S25L, S98L, S81L, S122L.
Identifiers: ClinVar variation 1468024 (VCV001468024.7), dbSNP rs1186052599, ClinGen allele CA390639881.